The following is an entry in ClinVar:

NM_000051.4(ATM):c.6530A>G (p.Gln2177Arg)

Genes: ATM (ATM serine/threonine kinase; plus strand), C11orf65 (chromosome 11 open reading frame 65; minus strand). Cytogenetic location: 11q22.3.
Variant type: single nucleotide variant.
Coding change: c.6530A>G on transcript NM_000051.4 (MANE Select); coding-DNA position 6530, A replaced by G.
Protein change: p.Gln2177Arg; replaces glutamine 2177 with arginine.
Molecular consequence: missense variant. On other transcripts: intron variant (2).
Genome position (GRCh38, 1-based): chr11:108,321,378, A>G. VCF-style: chr11-108321378-A-G. GRCh37 (hg19) VCF-style: chr11-108192105-A-G.
Other names: c.6530A>G, p.Gln2177Arg (NM_001351834.2); c.641-12307T>C (NM_001330368.2); c.*39-12307T>C (NM_001351110.2); short protein forms Q2177R.
Identifiers: ClinVar variation 945991 (VCV000945991.23), dbSNP rs1060501573, ClinGen allele CA382554226.
Genomic context (GRCh38, chr11:108,321,378, plus strand): 5'-AGATGTGTAAGCGCAGCCTTGAGTCTGTGTATTCGCTCTATCCCACACTTAGCAGGTTGC[A>G]GGCCATTGGAGAGCTGGAAAGCATTGGGGAGCTTTTCTCAAGGTATGTAATTCGTATGAC-3'
Protein context (NP_000042.3, residues 2167-2187): YSLYPTLSRL[Gln2177Arg]AIGELESIGE

ClinVar aggregate classification (germline): Uncertain significance. Review status: criteria provided, multiple submitters, no conflicts (2 of 4 stars). 3 submissions from 3 submitters: Uncertain significance (2). 1 of the submissions does not count toward it. Last evaluated 2024-10-27.

Conditions:
Hereditary cancer-predisposing syndrome. Also called: Tumor predisposition; Neoplastic Syndromes, Hereditary; Hereditary neoplastic syndrome; Hereditary Cancer Syndrome. Identifiers: Orphanet 140162, MedGen C0027672, MeSH D009386, MONDO:0015356.
Ataxia-telangiectasia syndrome (AT). Also called: Ataxia-telangiectasia, complementation group D; AT, COMPLEMENTATION GROUP C; ATAXIA-TELANGIECTASIA, COMPLEMENTATION GROUP A; ATAXIA-TELANGIECTASIA, FRESNO VARIANT; Ataxia-telangiectasia; Ataxia telangiectasia (A-T). Identifiers: Orphanet 100, MedGen C0004135, MONDO:0008840, OMIM 208900.

Allele frequency attached by ClinVar (database versions not stated): gnomAD exomes below 0.00001.
gnomAD v4.1: 1 of 1,614,228 alleles (0.000062%); highest among the groups gnomAD compares: Non-Finnish European, 0.000085%; no homozygotes.

Submissions (3):

Labcorp Genetics (formerly Invitae), Labcorp
Classification: Uncertain significance for Ataxia-telangiectasia syndrome. Last evaluated: 2024-10-27. Review status: criteria provided, single submitter. Criteria: Invitae Variant Classification Sherloc (09022015). Collection method: clinical testing. Allele origin: germline.
Comment: This sequence change replaces glutamine, which is neutral and polar, with arginine, which is basic and polar, at codon 2177 of the ATM protein (p.Gln2177Arg). This variant is not present in population databases (gnomAD no frequency). This variant has not been reported in the literature in individuals affected with ATM-related conditions. ClinVar contains an entry for this variant (Variation ID: 945991). Invitae Evidence Modeling of protein sequence and biophysical properties (such as structural, functional, and spatial information, amino acid conservation, physicochemical variation, residue mobility, and thermodynamic stability) indicates that this missense variant is not expected to disrupt ATM protein function with a negative predictive value of 95%. In summary, the available evidence is currently insufficient to determine the role of this variant in disease. Therefore, it has been classified as a Variant of Uncertain Significance.

Ambry Genetics
Classification: Uncertain significance for Hereditary cancer-predisposing syndrome. Last evaluated: 2023-11-30. Review status: criteria provided, single submitter. Criteria: Ambry Variant Classification Scheme 2023. Collection method: clinical testing. Allele origin: germline.
Comment: The p.Q2177R variant (also known as c.6530A>G), located in coding exon 44 of the ATM gene, results from an A to G substitution at nucleotide position 6530. The glutamine at codon 2177 is replaced by arginine, an amino acid with highly similar properties. This amino acid position is highly conserved in available vertebrate species. In addition, this alteration is predicted to be deleterious by in silico analysis. Since supporting evidence is limited at this time, the clinical significance of this alteration remains unclear.

Natera, Inc.
Classification: Uncertain significance for Ataxia-telangiectasia. Last evaluated: 2020-03-27. Review status: no assertion criteria provided. Collection method: clinical testing. Allele origin: germline. Not counted in ClinVar's aggregate classification.